The following is an entry in ClinVar:

NM_000548.5(TSC2):c.3175A>G (p.Thr1059Ala)

Gene: TSC2 (TSC complex subunit 2; plus strand). Cytogenetic location: 16p13.3.
Variant type: single nucleotide variant.
Coding change: c.3175A>G on transcript NM_000548.5 (MANE Select); coding-DNA position 3175, A replaced by G.
Protein change: p.Thr1059Ala; replaces threonine 1059 with alanine.
Molecular consequence: missense variant. On other transcripts: non-coding transcript variant (5).
Genome position (GRCh38, 1-based): chr16:2,079,319, A>G. VCF-style: chr16-2079319-A-G. GRCh37 (hg19) VCF-style: chr16-2129320-A-G.
Other names: c.2584A>G, p.Thr862Ala (NM_001406681.1); c.2575A>G, p.Thr859Ala (NM_001406682.1, NM_001406683.1, NM_001406680.1); c.2572A>G, p.Thr858Ala (NM_001406684.1); c.2446A>G, p.Thr816Ala (NM_001406685.1, NM_001406686.1); c.2443A>G, p.Thr815Ala (NM_001406687.1, NM_001406688.1, NM_001318831.2); c.1831A>G, p.Thr611Ala (NM_001406689.1); c.1702A>G, p.Thr568Ala (NM_001406690.1, NM_001406692.1, NM_001406693.1 and 1 more transcripts); c.3043A>G, p.Thr1015Ala (NM_001077183.3, NM_001370404.1, NM_001406665.1); and 18 more; short protein forms T1011A, T1016A, T1026A, T1046A, T1059A, T481A, T567A, T568A.
Identifiers: ClinVar variation 4192127 (VCV004192127.1).

ClinVar aggregate classification (germline): Uncertain significance (1 of 4 stars; one submission).

Conditions:
Hereditary cancer-predisposing syndrome. Also called: Neoplastic Syndromes, Hereditary; Tumor predisposition; Hereditary Cancer Syndrome; Hereditary neoplastic syndrome. Identifiers: Orphanet 140162, MedGen C0027672, MeSH D009386, MONDO:0015356.

Submission:

Ambry Genetics
Classification: Uncertain significance for Hereditary cancer-predisposing syndrome. Last evaluated: 2025-06-15. Review status: criteria provided, single submitter. Criteria: Ambry Variant Classification Scheme 2023. Collection method: clinical testing. Allele origin: germline.
Comment: The p.T1059A variant (also known as c.3175A>G), located in coding exon 27 of the TSC2 gene, results from an A to G substitution at nucleotide position 3175. The threonine at codon 1059 is replaced by alanine, an amino acid with similar properties. This amino acid position is conserved. In addition, this alteration is predicted to be deleterious by in silico analysis. Based on the available evidence, the clinical significance of this variant remains unclear.